The following is an entry in ClinVar:

ClinVar aggregate classification (germline): Uncertain significance. Review status: criteria provided, multiple submitters, no conflicts (2 of 4 stars). 10 submissions from 10 submitters: Uncertain significance (10). Last evaluated 2026-01-08.

Conditions:
Ventricular arrhythmias due to cardiac ryanodine receptor calcium release deficiency syndrome. Also called: Autosomal dominant cardiac arrhythmia (Kuhn). Identifiers: MedGen C5542154, MONDO:0020745, OMIM 115000.
Catecholaminergic polymorphic ventricular tachycardia 1. Also called: RYR2-Related Catecholaminergic Polymorphic Ventricular Tachycardia; VENTRICULAR TACHYCARDIA, CATECHOLAMINERGIC POLYMORPHIC, 1, WITH OR WITHOUT ATRIAL DYSFUNCTION AND/OR DILATED CARDIOMYOPATHY; VENTRICULAR TACHYCARDIA, STRESS-INDUCED POLYMORPHIC 1. Identifiers: Orphanet 3286, MedGen C1631597, MONDO:0011484, OMIM 604772.
Cardiovascular phenotype. Identifiers: MedGen CN230736.
Catecholaminergic polymorphic ventricular tachycardia (CVPT). Also called: Catecholamine-induced polymorphic ventricular tachycardia. Identifiers: Orphanet 3286, MedGen C5574922, MONDO:0017990.
Cardiomyopathy (CMYO). Also called: Cardiomyopathies. Identifiers: Orphanet 167848, MedGen C0878544, MONDO:0004994, HP:0001638. Inheritance: Various modes of inheritance.

Allele frequency attached by ClinVar (database versions not stated): TOPMed 0.00007.
gnomAD v4.1: 106 of 1,595,230 alleles (0.0066%); highest among the groups gnomAD compares: South Asian, 0.01%; no homozygotes.

Submissions (10):

Labcorp Genetics (formerly Invitae), Labcorp
Classification: Uncertain significance for Catecholaminergic polymorphic ventricular tachycardia 1. Last evaluated: 2026-01-08. Review status: criteria provided, single submitter. Criteria: Invitae Variant Classification Sherloc (09022015). Collection method: clinical testing. Allele origin: germline.
Comment: This sequence change replaces arginine, which is basic and polar, with cysteine, which is neutral and slightly polar, at codon 3510 of the RYR2 protein (p.Arg3510Cys). This variant is present in population databases (rs201749277, gnomAD 0.01%). This variant has not been reported in the literature in individuals affected with RYR2-related conditions. ClinVar contains an entry for this variant (Variation ID: 179247). Invitae Evidence Modeling of protein sequence and biophysical properties (such as structural, functional, and spatial information, amino acid conservation, physicochemical variation, residue mobility, and thermodynamic stability) indicates that this missense variant is not expected to disrupt RYR2 protein function with a negative predictive value of 95%. In summary, the available evidence is currently insufficient to determine the role of this variant in disease. Therefore, it has been classified as a Variant of Uncertain Significance.

GeneDx
Classification: Uncertain significance. Last evaluated: 2025-02-24. Review status: criteria provided, single submitter. Criteria: GeneDx Variant Classification Process June 2021. Collection method: clinical testing. Allele origin: germline.
Comment: Identified in patients with HCM and atrioventricular nodal reentry tachycardia (AVNRT) in published literature (PMID: 32508047, 28404607); Not located in one of the three hot-spot regions of the RYR2 gene, where the majority of pathogenic missense variants occur (PMID: 19926015); In silico analysis supports that this missense variant has a deleterious effect on protein structure/function; This variant is associated with the following publications: (PMID: 23861362, 28404607, 19926015, 32508047, 28771489)

Ambry Genetics
Classification: Uncertain significance for Cardiovascular phenotype. Last evaluated: 2024-12-20. Review status: criteria provided, single submitter. Criteria: Ambry Variant Classification Scheme 2023. Collection method: clinical testing. Allele origin: germline.
Comment: The p.R3510C variant (also known as c.10528C>T), located in coding exon 73 of the RYR2 gene, results from a C to T substitution at nucleotide position 10528. The arginine at codon 3510 is replaced by cysteine, an amino acid with highly dissimilar properties. This alteration has been detected in a hypertrophic cardiomyopathy cohort, but clinical details were limited (Mademont-Soler I et al. PLoS ONE. 2017;12:e0181465). This amino acid position is well conserved in available vertebrate species. In addition, this alteration is predicted to be deleterious by in silico analysis. Since supporting evidence is limited at this time, the clinical significance of this alteration remains unclear.

All of Us Research Program, National Institutes of Health
Classification: Uncertain significance for Catecholaminergic polymorphic ventricular tachycardia. Last evaluated: 2024-08-06. Review status: criteria provided, single submitter. Criteria: ACMG Guidelines, 2015. Collection method: clinical testing. Allele origin: germline. Inheritance: Autosomal dominant inheritance. Observed: 29 variant alleles, 29 heterozygotes.
Comment: This variant is located in the RYR2 protein. Computational prediction is inconclusive regarding the impact of this variant on protein structure and function (internally defined REVEL score threshold 0.5 < inconclusive < 0.7, PMID: 27666373). To our knowledge, functional studies have not been reported for this variant. This variant has been reported in an individual affected with hypertrophic cardiomyopathy (PMID: 28771489). This variant has been identified in 20/279572 chromosomes in the general population by the Genome Aggregation Database (gnomAD). The available evidence is insufficient to determine the role of this variant in disease conclusively. Therefore, this variant is classified as a Variant of Uncertain Significance.

This study involves interpretation of variants in research participants for the purpose of population health screening. Participant phenotype was not available at the time of variant classification. Additional details can be found in publication PMID: 35346344, PMCID: PMC8962531

CeGaT Center for Human Genetics Tuebingen
Classification: Uncertain significance. Last evaluated: 2024-07-01. Review status: criteria provided, single submitter. Criteria: CeGaT Center For Human Genetics Tuebingen Variant Classification Criteria Version 2. Collection method: clinical testing. Allele origin: germline. Affected: yes. Observed: 1 variant allele.

Color Diagnostics, LLC DBA Color Health
Classification: Uncertain significance for Cardiomyopathy. Last evaluated: 2024-02-15. Review status: criteria provided, single submitter. Criteria: ACMG Guidelines, 2015. Collection method: clinical testing. Allele origin: germline.
Comment: This variant replaces arginine with cysteine at codon 3510 in the RYR2 protein. Computational prediction is inconclusive regarding the impact of this variant on protein structure and function. To our knowledge, functional studies have not been reported for this variant. This variant has been reported in an individual affected with hypertrophic cardiomyopathy (PMID: 28771489). This variant has been identified in 20/279572 chromosomes in the general population by the Genome Aggregation Database (gnomAD). The available evidence is insufficient to determine the role of this variant in disease conclusively. Therefore, this variant is classified as a Variant of Uncertain Significance.

Department of Pathology and Laboratory Medicine, Sinai Health System
Classification: Uncertain significance for Ventricular arrhythmias due to cardiac ryanodine receptor calcium release deficiency syndrome; Catecholaminergic polymorphic ventricular tachycardia 1. Last evaluated: 2023-01-16. Review status: criteria provided, single submitter. Criteria: ACMG Guidelines, 2015. Collection method: research. Allele origin: germline.

Laboratory for Molecular Medicine, Mass General Brigham Personalized Medicine
Classification: Uncertain significance. Last evaluated: 2018-01-12. Review status: criteria provided, single submitter. Criteria: LMM Criteria. Collection method: clinical testing. Allele origin: germline. Observed: 2 variant alleles.
Comment: Computational prediction tools and conservation an alysis suggest that the p.Arg3510Cys variant may impact the protein, though this information is not predictive enough to determine pathogenicity. In summary, th e clinical significance of the p.Arg3510Cys variant is uncertain. ACMG/AMP Crite ria applied: PP3.

Eurofins Ntd Llc (ga)
Classification: Uncertain significance. Last evaluated: 2017-04-26. Review status: criteria provided, single submitter. Criteria: EGL Classification Definitions 2015. Collection method: clinical testing. Allele origin: germline. Observed: 3 variant alleles, 3 heterozygotes.

Biesecker Lab/Clinical Genomics Section, National Institutes of Health
Classification: Uncertain significance. Last evaluated: 2013-06-24. Review status: criteria provided, single submitter. Criteria: Ng et al. (Circ Cardiovasc Genet. 2013). Collection method: research. Allele origin: unknown. Observed: 1 variant allele. Study: ClinSeq.
Comment: The study set was not selected for affection status in relation to any cancer. Pathogenicity categories were based on literature curation. See Pubmed ID:23861362 for details.

Medical sequencing

Literature cited by the submitters: PubMed 23861362 (cited by Ambry Genetics and Laboratory for Molecular Medicine, Mass General Brigham Personalized Medicine); PubMed 28404607 (cited by Ambry Genetics); PubMed 28771489 (cited by 3 submitters).

NM_001035.3(RYR2):c.10528C>T (p.Arg3510Cys)

Gene: RYR2 (ryanodine receptor 2; plus strand). Cytogenetic location: 1q43.
Variant type: single nucleotide variant.
Coding change: c.10528C>T on transcript NM_001035.3 (MANE Select); coding-DNA position 10528, C replaced by T.
Protein change: p.Arg3510Cys; replaces arginine 3510 with cysteine.
Molecular consequence: missense variant.
Genome position (GRCh38, 1-based): chr1:237,718,495, C>T. VCF-style: chr1-237718495-C-T. GRCh37 (hg19) VCF-style: chr1-237881795-C-T.
Other names: short protein forms R3510C.
Identifiers: ClinVar variation 179247 (VCV000179247.49), dbSNP rs201749277, ClinGen allele CA006677.